The following is an entry in ClinVar:

ClinVar aggregate classification (germline): Uncertain significance (1 of 4 stars; one submission).

Submission:

Ambry Genetics
Classification: Uncertain significance. Last evaluated: 2022-05-03. Review status: criteria provided, single submitter. Criteria: Ambry Variant Classification Scheme 2023. Collection method: clinical testing. Allele origin: germline.
Comment: The p.V256G variant (also known as c.767T>G), located in coding exon 4 of the GALNT12 gene, results from a T to G substitution at nucleotide position 767. The valine at codon 256 is replaced by glycine, an amino acid with dissimilar properties. This amino acid position is conserved. In addition, this alteration is predicted to be deleterious by in silico analysis. Since supporting evidence is limited at this time, the clinical significance of this alteration remains unclear.

NM_024642.5(GALNT12):c.767T>G (p.Val256Gly)

Gene: GALNT12 (polypeptide N-acetylgalactosaminyltransferase 12; plus strand). Cytogenetic location: 9q22.33.
Variant type: single nucleotide variant.
Coding change: c.767T>G on transcript NM_024642.5 (MANE Select); coding-DNA position 767, T replaced by G.
Protein change: p.Val256Gly; replaces valine 256 with glycine.
Molecular consequence: missense variant.
Genome position (GRCh38, 1-based): chr9:98,831,807, T>G. VCF-style: chr9-98831807-T-G. GRCh37 (hg19) VCF-style: chr9-101594089-T-G.
Other names: short protein forms V256G.
Identifiers: ClinVar variation 1760115 (VCV001760115.2), dbSNP rs2490517256, ClinGen allele CA374217963.